The following is an entry in ClinVar:

ClinVar aggregate classification (germline): Uncertain significance. Review status: criteria provided, single submitter (1 of 4 stars). 2 submissions from 2 submitters: Uncertain significance (1). 1 of the submissions does not count toward it. Last evaluated 2022-05-30.

Conditions:
Tuberous sclerosis syndrome (TSC). Also called: Tuberous Sclerosis Complex; Tuberous sclerosis. Identifiers: Orphanet 805, MedGen C0041341, MONDO:0001734.
Tuberous sclerosis 2 (TSC2). Identifiers: Orphanet 805, MedGen C1860707, MONDO:0013199, OMIM 613254.

Submissions (2):

Labcorp Genetics (formerly Invitae), Labcorp
Classification: Uncertain significance for Tuberous sclerosis 2. Last evaluated: 2022-05-30. Review status: criteria provided, single submitter. Criteria: Invitae Variant Classification Sherloc (09022015). Collection method: clinical testing. Allele origin: germline.
Comment: In summary, the available evidence is currently insufficient to determine the role of this variant in disease. Therefore, it has been classified as a Variant of Uncertain Significance. Variants that disrupt the consensus splice site are a relatively common cause of aberrant splicing (PMID: 17576681, 9536098). Algorithms developed to predict the effect of sequence changes on RNA splicing suggest that this variant may disrupt the consensus splice site. ClinVar contains an entry for this variant (Variation ID: 65235). This variant has been observed in individual(s) with clinical features of tuberous sclerosis complex (PMID: 21520333). This variant is not present in population databases (gnomAD no frequency). This sequence change falls in intron 23 of the TSC2 gene. It does not directly change the encoded amino acid sequence of the TSC2 protein. It affects a nucleotide within the consensus splice site.

Tuberous sclerosis database (TSC2)
No classification provided. Condition: TSC. Review status: no classification provided. Criteria: Tuberous Sclerosis Database Assertion Criteria 2015. Collection method: curation. Allele origin: germline. Affected: yes. Not counted in ClinVar's aggregate classification.

Literature cited by the submitters: PubMed 17576681 (cited by Labcorp Genetics (formerly Invitae), Labcorp); PubMed 9536098 (cited by Labcorp Genetics (formerly Invitae), Labcorp); PubMed 21520333 (cited by Labcorp Genetics (formerly Invitae), Labcorp).

NM_000548.5(TSC2):c.2639+5G>A

Gene: TSC2 (TSC complex subunit 2; plus strand). Cytogenetic location: 16p13.3.
Variant type: single nucleotide variant.
Coding change: c.2639+5G>A on transcript NM_000548.5 (MANE Select); 5 bases into the intron after coding-DNA position 2639, G replaced by A.
Molecular consequence: intron variant.
Genome position (GRCh38, 1-based): chr16:2,075,897, G>A. VCF-style: chr16-2075897-G-A. GRCh37 (hg19) VCF-style: chr16-2125898-G-A.
Other names: c.2639+5G>A (NM_001114382.3, NM_021055.3, NM_001370405.1 and 3 more transcripts); c.2528+5G>A (NM_001318827.2); c.2039+5G>A (NM_001318831.2); c.2492+5G>A (NM_001318829.2); c.2672+5G>A (NM_001318832.2).
Identifiers: ClinVar variation 65235 (VCV000065235.6), dbSNP rs397515171, ClinGen allele CA017773.
Genomic context (GRCh38, chr16:2,075,897, plus strand): 5'-GCGGAGCAGTATGCCAGTGTGTTCGCCATCTCCCTGCCGTACACCAACCCCTCCAAGTGA[G>A]TGGTCGCCCCAGGCCCTGTGCCTCCCAGCCGTGGCCCCCGCTAGGCCTTGCGGCAGAAAG-3'